The following is an entry in ClinVar:

ClinVar aggregate classification (germline): Uncertain significance. Review status: criteria provided, multiple submitters, no conflicts (2 of 4 stars). 2 submissions from 2 submitters: Uncertain significance (2). Last evaluated 2022-09-05.

Conditions:
Neurodevelopmental disorder with or without hyperkinetic movements and seizures, autosomal dominant. Also called: Intellectual disability, autosomal dominant 8. Identifiers: MedGen C3280282, MONDO:0013655, OMIM 614254.

gnomAD v4.1: 1 of 1,612,062 alleles (0.000062%); no homozygotes.

Submissions (2):

Labcorp Genetics (formerly Invitae), Labcorp
Classification: Uncertain significance for Neurodevelopmental disorder with or without hyperkinetic movements and seizures, autosomal dominant. Last evaluated: 2022-09-05. Review status: criteria provided, single submitter. Criteria: Invitae Variant Classification Sherloc (09022015). Collection method: clinical testing. Allele origin: germline.
Comment: In summary, the available evidence is currently insufficient to determine the role of this variant in disease. Therefore, it has been classified as a Variant of Uncertain Significance. Algorithms developed to predict the effect of missense changes on protein structure and function (SIFT, PolyPhen-2, Align-GVGD) all suggest that this variant is likely to be tolerated. This variant has not been reported in the literature in individuals affected with GRIN1-related conditions. This variant is not present in population databases (gnomAD no frequency). This sequence change replaces valine, which is neutral and non-polar, with leucine, which is neutral and non-polar, at codon 292 of the GRIN1 protein (p.Val292Leu).

Blueprint Genetics
Classification: Uncertain significance. Last evaluated: 2021-12-16. Review status: criteria provided, single submitter. Criteria: ACMG Guidelines, 2015. Collection method: clinical testing. Allele origin: germline.

NM_007327.4(GRIN1):c.874G>C (p.Val292Leu)

Gene: GRIN1 (glutamate ionotropic receptor NMDA type subunit 1; plus strand). Cytogenetic location: 9q34.3.
Variant type: single nucleotide variant.
Coding change: c.874G>C on transcript NM_007327.4 (MANE Select); coding-DNA position 874, G replaced by C.
Protein change: p.Val292Leu; replaces valine 292 with leucine.
Molecular consequence: missense variant.
Genome position (GRCh38, 1-based): chr9:137,156,943, G>C. VCF-style: chr9-137156943-G-C. GRCh37 (hg19) VCF-style: chr9-140051395-G-C.
Other names: c.874G>C, p.Val292Leu (NM_000832.7, NM_021569.4); c.937G>C, p.Val313Leu (NM_001185090.2, NM_001185091.2); short protein forms V292L, V313L.
Identifiers: ClinVar variation 1718189 (VCV001718189.7), dbSNP rs2538597139, ClinGen allele CA375715062.